The following is an entry in ClinVar:

ClinVar aggregate classification (germline): Likely benign (1 of 4 stars; one submission).

Allele frequency attached by ClinVar (database versions not stated): 1000 Genomes Project 0.00319; gnomAD 0.00364 and 0.00390; 1000 Genomes Project 30x 0.00375; TOPMed 0.00423.
gnomAD v4.1: 550 of 152,302 alleles (0.36%); highest among the groups gnomAD compares: African/African-American, 1.2%; 2 homozygotes.

Submission:

GeneDx
Classification: Likely benign. Last evaluated: 2018-06-19. Review status: criteria provided, single submitter. Criteria: GeneDx Variant Classification (06012015). Collection method: clinical testing. Allele origin: germline. Affected: yes.
Comment: This variant is considered likely benign or benign based on one or more of the following criteria: it is a conservative change, it occurs at a poorly conserved position in the protein, it is predicted to be benign by multiple in silico algorithms, and/or has population frequency not consistent with disease.

NM_000093.5(COL5A1):c.2646+216G>A

Gene: COL5A1 (collagen type V alpha 1 chain; plus strand). Cytogenetic location: 9q34.3.
Variant type: single nucleotide variant.
Coding change: c.2646+216G>A on transcript NM_000093.5 (MANE Select); 216 bases into the intron after coding-DNA position 2646, G replaced by A.
Molecular consequence: intron variant.
Genome position (GRCh38, 1-based): chr9:134,786,264, G>A. VCF-style: chr9-134786264-G-A. GRCh37 (hg19) VCF-style: chr9-137678110-G-A.
Other names: c.2646+216G>A (NM_001278074.1).
Identifiers: ClinVar variation 675935 (VCV000675935.1), dbSNP rs147295959, ClinGen allele CA201105618.